The following is an entry in ClinVar:

ClinVar aggregate classification (germline): Conflicting classifications of pathogenicity. Review status: criteria provided, conflicting classifications (1 of 4 stars). 2 submissions from 2 submitters: Likely pathogenic (1); Uncertain significance (1). Last evaluated 2025-05-23.

Conditions:
Stormorken syndrome (STRMK). Also called: THROMBOCYTOPATHY, ASPLENIA, AND MIOSIS. Identifiers: Orphanet 3204, MedGen C1861451, MONDO:0008497, OMIM 185070.
Combined immunodeficiency due to STIM1 deficiency. Also called: IMMUNODEFICIENCY 10; STIM1 DEFICIENCY. Identifiers: Orphanet 169090, Orphanet 317430, MedGen C2748557, MONDO:0013008, OMIM 612783.
Myopathy with tubular aggregates (TAM). Also called: Tubular Aggregate Myopathy. Identifiers: Orphanet 2593, MedGen C0410207, MONDO:0008051.

Submissions (2):

Labcorp Genetics (formerly Invitae), Labcorp
Classification: Uncertain significance for Myopathy with tubular aggregates; Combined immunodeficiency due to STIM1 deficiency; Stormorken syndrome. Last evaluated: 2025-05-23. Review status: criteria provided, single submitter. Criteria: Invitae Variant Classification Sherloc (09022015). Collection method: clinical testing. Allele origin: germline.
Comment: This sequence change replaces glycine, which is neutral and non-polar, with aspartic acid, which is acidic and polar, at codon 81 of the STIM1 protein (p.Gly81Asp). This variant is not present in population databases (gnomAD no frequency). This missense change has been observed in individual(s) with autosomal dominant tubular aggregate myopathy (PMID: 25953320, 28624464). In at least one individual the variant was observed to be de novo. ClinVar contains an entry for this variant (Variation ID: 3730844). Invitae Evidence Modeling of protein sequence and biophysical properties (such as structural, functional, and spatial information, amino acid conservation, physicochemical variation, residue mobility, and thermodynamic stability) has been performed for this missense variant. However, the output from this modeling did not meet the statistical confidence thresholds required to predict the impact of this variant on STIM1 protein function. In summary, the available evidence is currently insufficient to determine the role of this variant in disease. Therefore, it has been classified as a Variant of Uncertain Significance.

GeneDx
Classification: Likely pathogenic. Last evaluated: 2024-08-09. Review status: criteria provided, single submitter. Criteria: GeneDx Variant Classification Process June 2021. Collection method: clinical testing. Allele origin: germline. Affected: yes.
Comment: Not observed at significant frequency in large population cohorts (gnomAD); In silico analysis supports that this missense variant has a deleterious effect on protein structure/function; This variant is associated with the following publications: (PMID: 25953320, 28877744, 28624464)

Literature cited by the submitters: PubMed 25953320 (cited by Labcorp Genetics (formerly Invitae), Labcorp); PubMed 28624464 (cited by Labcorp Genetics (formerly Invitae), Labcorp).

NM_001382567.1(STIM1):c.242G>A (p.Gly81Asp)

Gene: STIM1 (stromal interaction molecule 1; plus strand). Cytogenetic location: 11p15.4.
Variant type: single nucleotide variant.
Coding change: c.242G>A on transcript NM_001382567.1 (MANE Select); coding-DNA position 242, G replaced by A.
Protein change: p.Gly81Asp; replaces glycine 81 with aspartic acid.
Molecular consequence: missense variant. On other transcripts: non-coding transcript variant (3), intron variant (4).
Genome position (GRCh38, 1-based): chr11:3,967,654, G>A. VCF-style: chr11-3967654-G-A. GRCh37 (hg19) VCF-style: chr11-3988884-G-A.
Other names: c.20G>A, p.Gly7Asp (NM_001382574.1, NM_001382575.1, NM_001382576.1 and 5 more transcripts); c.242G>A, p.Gly81Asp (NM_003156.4, NM_001277961.3, NM_001277962.2 and 3 more transcripts); c.-219-56219G>A (NM_001382580.1, NM_001382581.1); c.136-56219G>A (NM_001382569.1); c.-98-56219G>A (NM_001382571.1); short protein forms G7D, G81D.
Identifiers: ClinVar variation 3730844 (VCV003730844.2).
Genomic context (GRCh38, chr11:3,967,654, plus strand): 5'-AGAAACTCAGCTTCGAGGCAGTCCGTAACATCCACAAACTGATGGACGATGATGCCAATG[G>A]TGATGTGGATGTGGAAGAAAGTGATGAGGTGAGCTCTCCCATCCTGCTATGTCTCTCTTT-3'
Protein context (NP_001369496.1, residues 71-91): IHKLMDDDAN[Gly81Asp]DVDVEESDEF